The following is an entry in ClinVar:

NM_005120.3(MED12):c.4021C>T (p.Arg1341Trp)

Gene: MED12 (mediator complex subunit 12; plus strand). Cytogenetic location: Xq13.1.
Variant type: single nucleotide variant.
Coding change: c.4021C>T on transcript NM_005120.3 (MANE Select); coding-DNA position 4021, C replaced by T.
Protein change: p.Arg1341Trp; replaces arginine 1341 with tryptophan.
Molecular consequence: missense variant.
Genome position (GRCh38, 1-based): chrX:71,130,188, C>T. VCF-style: chrX-71130188-C-T. GRCh37 (hg19) VCF-style: chrX-70350038-C-T.
Other names: short protein forms R1341W.
Identifiers: ClinVar variation 213641 (VCV000213641.17), dbSNP rs777250096, ClinGen allele CA323671.

ClinVar aggregate classification (germline): Uncertain significance. Review status: criteria provided, multiple submitters, no conflicts (2 of 4 stars). 4 submissions from 4 submitters: Uncertain significance (4). Last evaluated 2026-01-28.

Conditions:
FG syndrome (FGS). Identifiers: MedGen C0220769, MONDO:0002010.
Familial thoracic aortic aneurysm and aortic dissection (TAAD). Also called: Thoracic aortic aneurysms and dissections. Identifiers: Orphanet 91387, MedGen C4707243, MONDO:0019625.
X-linked intellectual disability with marfanoid habitus. Also called: Lujan Syndrome (LS); X-linked mental retardation with marfanoid habitus syndrome; Lujan Syndrome; INTELLECTUAL DEVELOPMENTAL DISORDER, X-LINKED, SYNDROMIC, LUJAN-FRYNS TYPE. Identifiers: Orphanet 776, MedGen C0796022, MONDO:0010655, OMIM 309520.

Allele frequency attached by ClinVar (database versions not stated): gnomAD 0.00001 and 0.00002; gnomAD exomes 0.00001 and 0.00002; TOPMed 0.00002; ExAC 0.00005.
gnomAD v4.1: 24 of 1,207,320 alleles (0.002%); highest among the groups gnomAD compares: South Asian, 0.0071%; no homozygotes.

Submissions (4):

Labcorp Genetics (formerly Invitae), Labcorp
Classification: Uncertain significance for FG syndrome. Last evaluated: 2026-01-28. Review status: criteria provided, single submitter. Criteria: Invitae Variant Classification Sherloc (09022015). Collection method: clinical testing. Allele origin: germline.
Comment: This sequence change replaces arginine, which is basic and polar, with tryptophan, which is neutral and slightly polar, at codon 1341 of the MED12 protein (p.Arg1341Trp). The frequency data for this variant in the population databases is considered unreliable, as metrics indicate poor data quality at this position in the gnomAD database. This missense change has been observed in individual(s) with clinical features of MED12-related conditions (PMID: 34008892). ClinVar contains an entry for this variant (Variation ID: 213641). Invitae Evidence Modeling of protein sequence and biophysical properties (such as structural, functional, and spatial information, amino acid conservation, physicochemical variation, residue mobility, and thermodynamic stability) indicates that this missense variant is expected to disrupt MED12 protein function with a positive predictive value of 95%. In summary, the available evidence is currently insufficient to determine the role of this variant in disease. Therefore, it has been classified as a Variant of Uncertain Significance.

Ambry Genetics
Classification: Uncertain significance for Familial thoracic aortic aneurysm and aortic dissection. Last evaluated: 2025-09-15. Review status: criteria provided, single submitter. Criteria: Ambry Variant Classification Scheme 2023. Collection method: clinical testing. Allele origin: germline.
Comment: The p.R1341W variant (also known as c.4021C>T), located in coding exon 28 of the MED12 gene, results from a C to T substitution at nucleotide position 4021. The arginine at codon 1341 is replaced by tryptophan, an amino acid with dissimilar properties. This amino acid position is highly conserved in available vertebrate species. In addition, this alteration is predicted to be deleterious by in silico analysis. Based on data from gnomAD, the T allele has an overall frequency of 0.0005753% (1/173825) total alleles studied, with 1 hemizygote(s) observed. The highest observed frequency was 0.001293% (1/77358) of European (non-Finnish) alleles. Based on the available evidence, the clinical significance of this variant remains unclear.

GeneDx
Classification: Uncertain significance. Last evaluated: 2023-11-16. Review status: criteria provided, single submitter. Criteria: GeneDx Variant Classification Process June 2021. Collection method: clinical testing. Allele origin: germline. Affected: yes.
Comment: In silico analysis supports that this missense variant has a deleterious effect on protein structure/function; Not observed at significant frequency in large population cohorts (gnomAD); This variant is associated with the following publications: (PMID: 32579932, 34008892)

Laboratory of Medical Genetics, National & Kapodistrian University of Athens
Classification: Uncertain significance for X-linked intellectual disability with marfanoid habitus. Last evaluated: 2018-07-05. Review status: criteria provided, single submitter. Criteria: ACMG Guidelines, 2015. Collection method: clinical testing. Allele origin: de novo. Affected: yes.
Comment: PP2, PP3

Literature cited by the submitters: PubMed 34008892 (cited by Labcorp Genetics (formerly Invitae), Labcorp and Ambry Genetics).